The following is an entry in ClinVar:

NM_000179.3(MSH6):c.-6G>T

Gene: MSH6 (mutS homolog 6; plus strand). Cytogenetic location: 2p16.3.
Variant type: single nucleotide variant.
Coding change: c.-6G>T on transcript NM_000179.3 (MANE Select); 6 bases upstream of the start codon, G replaced by T.
Molecular consequence: 5 prime UTR variant.
Genome position (GRCh38, 1-based): chr2:47,783,228, G>T. VCF-style: chr2-47783228-G-T. GRCh37 (hg19) VCF-style: chr2-48010367-G-T.
Other names: c.-6G>T (NM_001281492.2); c.-742G>T (NM_001281493.2).
Identifiers: ClinVar variation 182674 (VCV000182674.47), dbSNP rs730881822, ClinGen allele CA016277.

ClinVar aggregate classification (germline): Conflicting classifications of pathogenicity. Review status: criteria provided, conflicting classifications (1 of 4 stars). 8 submissions from 8 submitters: Uncertain significance (2); Benign (1); Likely benign (5). Last evaluated 2025-03-28.

Conditions:
Mismatch repair cancer syndrome 3. Identifiers: MedGen C5436807, MONDO:0030841, OMIM 619097.
Hereditary cancer-predisposing syndrome. Also called: Tumor predisposition; Neoplastic Syndromes, Hereditary; Hereditary Cancer Syndrome; Hereditary neoplastic syndrome. Identifiers: Orphanet 140162, MedGen C0027672, MeSH D009386, MONDO:0015356.
Lynch syndrome. Identifiers: Orphanet 144, MedGen C4552100, MONDO:0005835. Disease mechanism: loss of function.
Lynch syndrome 5 (LYNCH5). Also called: Hereditary non-polyposis colorectal cancer, type 5; Colorectal cancer, hereditary nonpolyposis, type 5. Identifiers: Orphanet 144, MedGen C1833477, MONDO:0013710, OMIM 614350. Disease mechanism: loss of function.

Allele frequency attached by ClinVar (database versions not stated): TOPMed 0.00002.
gnomAD v4.1: 30 of 1,611,184 alleles (0.0019%); highest among the groups gnomAD compares: Non-Finnish European, 0.0025%; no homozygotes.

Submissions (8):

Quest Diagnostics Nichols Institute San Juan Capistrano
Classification: Uncertain significance. Last evaluated: 2025-03-28. Review status: criteria provided, single submitter. Criteria: Quest Diagnostics criteria. Collection method: clinical testing. Allele origin: unknown.
Comment: The MSH6 c.-6G>T variant has not been reported in individuals with MSH6-related conditions in the published literature. The frequency of this variant in the general population (Genome Aggregation Database) is uninformative in the assessment of its pathogenicity. Analysis of this variant using software algorithms for the prediction of the effect of nucleotide changes on splicing yielded predictions that this variant does not affect MSH6 mRNA splicing. Based on the available information, we are unable to determine the clinical significance of this variant.

Center for Genomic Medicine, Rigshospitalet, Copenhagen University Hospital
Classification: Likely benign. Last evaluated: 2025-03-04. Review status: criteria provided, single submitter. Criteria: ACMG Guidelines, 2015. Collection method: clinical testing. Allele origin: germline.

Department of Pathology and Laboratory Medicine, Sinai Health System
Classification: Uncertain significance for Mismatch repair cancer syndrome 3. Last evaluated: 2024-02-27. Review status: criteria provided, single submitter. Criteria: ACMG Guidelines, 2015. Collection method: clinical testing. Allele origin: germline. Affected: yes.

All of Us Research Program, National Institutes of Health
Classification: Likely benign for Lynch syndrome. Last evaluated: 2023-12-13. Review status: criteria provided, single submitter. Criteria: ACMG Guidelines, 2015. Collection method: clinical testing. Allele origin: germline. Inheritance: Autosomal dominant inheritance. Observed: 12 variant alleles, 12 heterozygotes.
Comment: This study involves interpretation of variants in research participants for the purpose of population health screening. Participant phenotype was not available at the time of variant classification. Additional details can be found in publication PMID: 35346344, PMCID: PMC8962531

Myriad Genetics, Inc.
Classification: Likely benign for Lynch syndrome 5. Last evaluated: 2023-02-16. Review status: criteria provided, single submitter. Criteria: Myriad Autosomal Dominant, Autosomal Recessive and X-Linked Classification Criteria (2023). Collection method: clinical testing. Allele origin: unknown.
Comment: This variant is considered likely benign. Homozygosity for this variant has been confirmed in one or more individuals lacking clinical features consistent with gene-specific recessive disease, indicating that this variant is unlikely to be pathogenic.

CeGaT Center for Human Genetics Tuebingen
Classification: Likely benign. Last evaluated: 2020-12-01. Review status: criteria provided, single submitter. Criteria: CeGaT Center For Human Genetics Tuebingen Variant Classification Criteria Version 2. Collection method: clinical testing. Allele origin: germline. Affected: yes. Observed: 1 variant allele.

Color Diagnostics, LLC DBA Color Health
Classification: Likely benign for Hereditary cancer-predisposing syndrome. Last evaluated: 2016-07-25. Review status: criteria provided, single submitter. Criteria: ACMG Guidelines, 2015. Collection method: clinical testing. Allele origin: germline.

GeneDx
Classification: Benign. Last evaluated: 2014-08-08. Review status: criteria provided, single submitter. Criteria: GeneDx Variant Classification (06012015). Collection method: clinical testing. Allele origin: germline. Affected: yes.
Comment: This variant is considered likely benign or benign based on one or more of the following criteria: it is a conservative change, it occurs at a poorly conserved position in the protein, it is predicted to be benign by multiple in silico algorithms, and/or has population frequency not consistent with disease.